The following is an entry in ClinVar:

ClinVar aggregate classification (germline): Uncertain significance (1 of 4 stars; one submission).

Conditions:
Atrial septal defect 5 (ASD5). Identifiers: Orphanet 1478, MedGen C2748552, MONDO:0013011, OMIM 612794.
Hypertrophic cardiomyopathy 11. Also called: ACTC1-Related Familial Hypertrophic Cardiomyopathy. Identifiers: MedGen C2677506, MONDO:0012799, OMIM 612098.
Dilated cardiomyopathy 1R (CMD1R). Identifiers: Orphanet 154, Orphanet 54260, MedGen C3150681, MONDO:0013261, OMIM 613424.

Submission:

Labcorp Genetics (formerly Invitae), Labcorp
Classification: Uncertain significance for Dilated cardiomyopathy 1R; Hypertrophic cardiomyopathy 11; Atrial septal defect 5. Last evaluated: 2025-04-23. Review status: criteria provided, single submitter. Criteria: Invitae Variant Classification Sherloc (09022015). Collection method: clinical testing. Allele origin: germline.
Comment: This sequence change replaces serine, which is neutral and polar, with glycine, which is neutral and non-polar, at codon 62 of the ACTC1 protein (p.Ser62Gly). This variant is not present in population databases (gnomAD no frequency). This variant has not been reported in the literature in individuals affected with ACTC1-related conditions. Invitae Evidence Modeling of protein sequence and biophysical properties (such as structural, functional, and spatial information, amino acid conservation, physicochemical variation, residue mobility, and thermodynamic stability) indicates that this missense variant is not expected to disrupt ACTC1 protein function with a negative predictive value of 80%. In summary, the available evidence is currently insufficient to determine the role of this variant in disease. Therefore, it has been classified as a Variant of Uncertain Significance.

NM_005159.5(ACTC1):c.184A>G (p.Ser62Gly)

Genes: GJD2-DT (GJD2 divergent transcript; plus strand), ACTC1 (actin alpha cardiac muscle 1; minus strand). Cytogenetic location: 15q14.
Variant type: single nucleotide variant.
Coding change: c.184A>G on transcript NM_005159.5 (MANE Select); coding-DNA position 184, A replaced by G.
Protein change: p.Ser62Gly; replaces serine 62 with glycine.
Molecular consequence: missense variant. On other transcripts: 5 prime UTR variant (1).
Genome position (GRCh38, 1-based): chr15:34,793,515, T>C on the plus strand (A>G on the coding strand, the complement: ACTC1 is on the minus strand). VCF-style: chr15-34793515-T-C. GRCh37 (hg19) VCF-style: chr15-35085716-T-C.
Other names: c.184A>G, p.Ser62Gly (NM_001406482.1, NM_001406483.1); c.49A>G, p.Ser17Gly (NM_001406484.1); c.-205A>G (NM_001406485.1); short protein forms S62G, S17G.
Identifiers: ClinVar variation 4793349 (VCV004793349.1).